The following is an entry in ClinVar:

NM_001330700.2(TOP2B):c.2375T>G (p.Leu792Trp)

Gene: TOP2B (DNA topoisomerase II beta; minus strand). Cytogenetic location: 3p24.2.
Variant type: single nucleotide variant.
Coding change: c.2375T>G on transcript NM_001330700.2 (MANE Select); coding-DNA position 2375, T replaced by G.
Protein change: p.Leu792Trp; replaces leucine 792 with tryptophan.
Molecular consequence: missense variant.
Genome position (GRCh38, 1-based): chr3:25,624,417, A>C on the plus strand (T>G on the coding strand, the complement: TOP2B is on the minus strand). VCF-style: chr3-25624417-A-C. GRCh37 (hg19) VCF-style: chr3-25665908-A-C.
Other names: c.2360T>G, p.Leu787Trp (NM_001068.3); short protein forms L792W, L787W.
Identifiers: ClinVar variation 4773328 (VCV004773328.1).

ClinVar aggregate classification (germline): Uncertain significance (1 of 4 stars; one submission).

gnomAD v4.1: 2 of 1,613,940 alleles (0.00012%); highest among the groups gnomAD compares: Non-Finnish European, 0.00017%; no homozygotes.

Submission:

Labcorp Genetics (formerly Invitae), Labcorp
Classification: Uncertain significance. Last evaluated: 2025-06-19. Review status: criteria provided, single submitter. Criteria: Invitae Variant Classification Sherloc (09022015). Collection method: clinical testing. Allele origin: germline.
Comment: This sequence change replaces leucine, which is neutral and non-polar, with tryptophan, which is neutral and slightly polar, at codon 787 of the TOP2B protein (p.Leu787Trp). This variant is present in population databases (no rsID available, gnomAD 0.002%). This variant has not been reported in the literature in individuals affected with TOP2B-related conditions. An algorithm developed to predict the effect of missense changes on protein structure and function (PolyPhen-2) suggests that this variant is likely to be disruptive. In summary, the available evidence is currently insufficient to determine the role of this variant in disease. Therefore, it has been classified as a Variant of Uncertain Significance.